The following is an entry in ClinVar:

ClinVar aggregate classification (germline): Benign/Likely benign. Review status: criteria provided, multiple submitters, no conflicts (2 of 4 stars). 5 submissions from 5 submitters: Benign (1); Likely benign (4). Last evaluated 2025-12-10.

Conditions:
Immunodeficiency 35 (IMD35). Also called: HIES WITH ATYPICAL MYCOBACTERIOSIS, AUTOSOMAL RECESSIVE; HYPER-IgE SYNDROME WITH ATYPICAL MYCOBACTERIOSIS, AUTOSOMAL RECESSIVE; TYK2 DEFICIENCY; Susceptibility to infection due to TYK2 deficiency. Identifiers: Orphanet 331226, MedGen C1969086, MONDO:0012682, OMIM 611521.

Allele frequency attached by ClinVar (database versions not stated): 1000 Genomes Project 0.00040; TOPMed 0.00042; gnomAD 0.00051 and 0.00052; ExAC 0.00054; gnomAD exomes 0.00057; 1000 Genomes Project 30x 0.00062.

Submissions (5):

Labcorp Genetics (formerly Invitae), Labcorp
Classification: Benign for Immunodeficiency 35. Last evaluated: 2025-12-10. Review status: criteria provided, single submitter. Criteria: Invitae Variant Classification Sherloc (09022015). Collection method: clinical testing. Allele origin: germline.

Blueprint Genetics
Classification: Likely benign. Last evaluated: 2024-11-07. Review status: criteria provided, single submitter. Criteria: ACMG Guidelines, 2015. Collection method: clinical testing. Allele origin: germline.

GeneDx
Classification: Likely benign. Last evaluated: 2020-06-01. Review status: criteria provided, single submitter. Criteria: GeneDx Variant Classification Process June 2021. Collection method: clinical testing. Allele origin: germline. Affected: yes.

Illumina Laboratory Services, Illumina
Classification: Likely benign for Immunodeficiency 35. Last evaluated: 2018-01-13. Review status: criteria provided, single submitter. Criteria: ICSL Variant Classification Criteria 13 December 2019. Collection method: clinical testing. Allele origin: germline.
Comment: This variant was observed in the ICSL laboratory as part of a predisposition screen in an ostensibly healthy population. It had not been previously curated by ICSL or reported in the Human Gene Mutation Database (HGMD: prior to June 1st, 2018), and was therefore a candidate for classification through an automated scoring system. Utilizing variant allele frequency, disease prevalence and penetrance estimates, and inheritance mode, an automated score was calculated to assess if this variant is too frequent to cause the disease. Based on the score and internal cut-off values, a variant classified as likely benign is not then subjected to further curation. The score for this variant resulted in a classification of likely benign for this disease.

Eurofins Ntd Llc (ga)
Classification: Likely benign. Last evaluated: 2018-01-09. Review status: criteria provided, single submitter. Criteria: EGL Classification Definitions 2015. Collection method: clinical testing. Allele origin: germline. Observed: 1 variant allele, 1 heterozygote.

NM_003331.5(TYK2):c.513G>A (p.Ser171=)

Gene: TYK2 (tyrosine kinase 2; minus strand). Cytogenetic location: 19p13.2.
Variant type: single nucleotide variant.
Coding change: c.513G>A on transcript NM_003331.5 (MANE Select); coding-DNA position 513, G replaced by A.
Protein change: p.Ser171=; no amino-acid change (serine 171 retained).
Molecular consequence: synonymous variant.
Genome position (GRCh38, 1-based): chr19:10,366,533, C>T on the plus strand (G>A on the coding strand, the complement: TYK2 is on the minus strand). VCF-style: chr19-10366533-C-T. GRCh37 (hg19) VCF-style: chr19-10477209-C-T.
Other names: c.513G>A (LRG_121t1).
Identifiers: ClinVar variation 327959 (VCV000327959.21), dbSNP rs55988893, ClinGen allele CA9193707.